The following is an entry in ClinVar:

ClinVar aggregate classification (germline): Likely pathogenic (1 of 4 stars; one submission).

Conditions:
Deficiency of UDPglucose-hexose-1-phosphate uridylyltransferase. Also called: GALACTOSE-1-PHOSPHATE URIDYLYLTRANSFERASE DEFICIENCY; Transferase Deficiency Galactosemia; GALACTOSEMIA I; GALT deficiency; Galactosemia, classic. Identifiers: Orphanet 352, Orphanet 79239, MedGen C0268151, MONDO:0009258, OMIM 230400.

Submission:

Myriad Genetics, Inc.
Classification: Likely pathogenic for Deficiency of UDPglucose-hexose-1-phosphate uridylyltransferase. Last evaluated: 2022-01-02. Review status: criteria provided, single submitter. Criteria: Myriad Women's Health Autosomal Recessive and X-Linked Classification Criteria (2021). Collection method: clinical testing. Allele origin: unknown.
Comment: NM_000155.3(GALT):c.209delC(P70Lfs*16) is expected to be pathogenic in the context of galactosemia. This variant is predicted to lead to an abnormal or absent protein product due to the creation of a premature termination codon in GALT, a gene where loss-of-function variants are known to be pathogenic. Please note: this variant was assessed in the context of healthy population screening.

NM_000155.4(GALT):c.209del (p.Pro70fs)

Genes: GALT (galactose-1-phosphate uridylyltransferase; plus strand), LOC130001683 (ATAC-STARR-seq lymphoblastoid active region 28314; plus strand). Cytogenetic location: 9p13.3.
Variant type: Deletion.
Coding change: c.209del on transcript NM_000155.4 (MANE Select); coding-DNA position 209, one base deleted (C; older notation c.209delC).
Protein change: p.Pro70fs; shifts the reading frame from proline 70.
Molecular consequence: frameshift variant.
Genome position (GRCh38, 1-based): chr9:34,647,215, C deleted; the last of 3 consecutive C bases (chr9:34,647,213-34,647,215); deleting any one gives the same sequence. VCF-style (leftmost placement, unchanged base first): chr9-34647212-AC-A. GRCh37 (hg19) VCF-style: chr9-34647209-AC-A.
Other names: c.7del, p.Leu3fs (NM_001258332.2); short protein forms L3fs, P70fs.
Identifiers: ClinVar variation 1726958 (VCV001726958.2), dbSNP rs2492862330, ClinGen allele CA2580080373.